The following is an entry in ClinVar:

ClinVar aggregate classification (germline): Uncertain significance. Review status: criteria provided, multiple submitters, no conflicts (2 of 4 stars). 3 submissions from 3 submitters: Uncertain significance (2). 1 of the submissions does not count toward it. Last evaluated 2021-08-30.

Conditions:
MHC class II deficiency. Also called: Bare lymphocyte syndrome 2; BLS, TYPE II. Identifiers: Orphanet 572, MedGen C5447452, MONDO:0008855.

Allele frequency attached by ClinVar (database versions not stated): gnomAD 0.00001; ExAC 0.00002; TOPMed 0.00003.
gnomAD v4.1: 15 of 1,612,078 alleles (0.00093%); highest among the groups gnomAD compares: East Asian, 0.016%; no homozygotes.

Submissions (3):

Labcorp Genetics (formerly Invitae), Labcorp
Classification: Uncertain significance for MHC class II deficiency. Last evaluated: 2021-08-30. Review status: criteria provided, single submitter. Criteria: Invitae Variant Classification Sherloc (09022015). Collection method: clinical testing. Allele origin: germline.
Comment: This sequence change replaces arginine with glutamine at codon 435 of the CIITA protein (p.Arg435Gln). The arginine residue is weakly conserved and there is a small physicochemical difference between arginine and glutamine. This variant is present in population databases (rs756879407, ExAC 0.01%). This variant has not been reported in the literature in individuals affected with CIITA-related conditions. Algorithms developed to predict the effect of missense changes on protein structure and function output the following: SIFT: "Tolerated"; PolyPhen-2: "Benign"; Align-GVGD: "Class C0". The glutamine amino acid residue is found in multiple mammalian species, which suggests that this missense change does not adversely affect protein function. In summary, the available evidence is currently insufficient to determine the role of this variant in disease. Therefore, it has been classified as a Variant of Uncertain Significance.

Breakthrough Genomics
Classification: Uncertain significance. Review status: criteria provided, single submitter. Criteria: ACMG Guidelines, 2015. Collection method: not provided. Allele origin: germline. Inheritance: Autosomal recessive inheritance. Affected: yes.

Natera, Inc.
Classification: Uncertain significance for Bare lymphocyte syndrome type II. Last evaluated: 2019-10-28. Review status: no assertion criteria provided. Collection method: clinical testing. Allele origin: germline. Not counted in ClinVar's aggregate classification.

NM_000246.4(CIITA):c.1304G>A (p.Arg435Gln)

Gene: CIITA (class II major histocompatibility complex transactivator; plus strand). Cytogenetic location: 16p13.13.
Variant type: single nucleotide variant.
Coding change: c.1304G>A on transcript NM_000246.4 (MANE Select); coding-DNA position 1304, G replaced by A.
Protein change: p.Arg435Gln; replaces arginine 435 with glutamine.
Molecular consequence: missense variant. On other transcripts: intron variant (1).
Genome position (GRCh38, 1-based): chr16:10,906,796, G>A. VCF-style: chr16-10906796-G-A. GRCh37 (hg19) VCF-style: chr16-11000653-G-A.
Other names: c.1307G>A, p.Arg436Gln (NM_001286402.1, NM_001379332.1); c.1160G>A, p.Arg387Gln (NM_001379330.1); c.1157G>A, p.Arg386Gln (NM_001379331.1); c.1304G>A, p.Arg435Gln (NM_001379333.1); c.1235G>A, p.Arg412Gln (NM_001379334.1); c.859+1984G>A (NM_001286403.2); short protein forms R435Q, R436Q, R386Q, R387Q, R412Q.
Identifiers: ClinVar variation 578443 (VCV000578443.9), dbSNP rs756879407, ClinGen allele CA7900099.